The following is an entry in ClinVar:

NM_001242896.3(DEPDC5):c.1700G>A (p.Arg567Gln)

Gene: DEPDC5 (DEP domain containing 5, GATOR1 subcomplex subunit; plus strand). Cytogenetic location: 22q12.3.
Variant type: single nucleotide variant.
Coding change: c.1700G>A on transcript NM_001242896.3 (MANE Select); coding-DNA position 1700, G replaced by A.
Protein change: p.Arg567Gln; replaces arginine 567 with glutamine.
Molecular consequence: missense variant. On other transcripts: non-coding transcript variant (5).
Genome position (GRCh38, 1-based): chr22:31,819,055, G>A. VCF-style: chr22-31819055-G-A. GRCh37 (hg19) VCF-style: chr22-32215041-G-A.
Other names: c.1700G>A, p.Arg567Gln (NM_001136029.4, NM_001242897.2, NM_001363852.2 and 6 more transcripts); c.1616G>A, p.Arg539Gln (NM_001369901.1, NM_001369902.1); short protein forms R539Q, R567Q.
Identifiers: ClinVar variation 966920 (VCV000966920.10), dbSNP rs985499891, ClinGen allele CA323319633.

ClinVar aggregate classification (germline): Uncertain significance. Review status: criteria provided, multiple submitters, no conflicts (2 of 4 stars). 2 submissions from 2 submitters: Uncertain significance (2). Last evaluated 2025-03-10.

Conditions:
Epilepsy, familial focal, with variable foci 1 (FFEVF1). Also called: DEPDC5-Related Epilepsy. Identifiers: MedGen C4551983, MONDO:0024556, OMIM 604364.
Developmental and epileptic encephalopathy 111 (DEE111). Identifiers: MedGen C5882690, MONDO:0957780, OMIM 620504.
Familial focal epilepsy with variable foci (FPEVF). Identifiers: Orphanet 98820, MedGen C1858477, MONDO:0020310.

Allele frequency attached by ClinVar (database versions not stated): gnomAD exomes below 0.00001; TOPMed below 0.00001; gnomAD 0.00001.
gnomAD v4.1: 5 of 1,614,042 alleles (0.00031%); highest among the groups gnomAD compares: African/African-American, 0.004%; no homozygotes.

Submissions (2):

Labcorp Genetics (formerly Invitae), Labcorp
Classification: Uncertain significance for Familial focal epilepsy with variable foci. Last evaluated: 2025-03-10. Review status: criteria provided, single submitter. Criteria: Invitae Variant Classification Sherloc (09022015). Collection method: clinical testing. Allele origin: germline.
Comment: This sequence change replaces arginine, which is basic and polar, with glutamine, which is neutral and polar, at codon 567 of the DEPDC5 protein (p.Arg567Gln). This variant is present in population databases (no rsID available, gnomAD 0.01%). This variant has not been reported in the literature in individuals affected with DEPDC5-related conditions. ClinVar contains an entry for this variant (Variation ID: 966920). Experimental studies and prediction algorithms are not available or were not evaluated, and the functional significance of this variant is currently unknown. In summary, the available evidence is currently insufficient to determine the role of this variant in disease. Therefore, it has been classified as a Variant of Uncertain Significance.

Fulgent Genetics
Classification: Uncertain significance for Epilepsy, familial focal, with variable foci 1; Developmental and epileptic encephalopathy 111. Last evaluated: 2024-04-30. Review status: criteria provided, single submitter. Criteria: ACMG Guidelines, 2015. Collection method: clinical testing. Allele origin: germline.